The following is an entry in ClinVar:

NM_000051.4(ATM):c.6144_6146del (p.Tyr2049del)

Genes: ATM (ATM serine/threonine kinase; plus strand), C11orf65 (chromosome 11 open reading frame 65; minus strand). Cytogenetic location: 11q22.3.
Variant type: Deletion.
Coding change: c.6144_6146del on transcript NM_000051.4 (MANE Select); coding-DNA positions 6144 to 6146, 3 bases deleted (ATA; older notation c.6144_6146delATA).
Protein change: p.Tyr2049del; deletes tyrosine 2049.
Molecular consequence: inframe deletion. On other transcripts: intron variant (2).
Genome position (GRCh38, 1-based): chr11:108,316,059-108,316,061, ATA deleted. VCF-style (leftmost placement, unchanged base first): chr11-108316058-CATA-C. GRCh37 (hg19) VCF-style: chr11-108186785-CATA-C.
Other names: c.6144_6146del, p.Tyr2049del (NM_001351834.2); c.641-6990_641-6988del (NM_001330368.2); c.*39-6990_*39-6988del (NM_001351110.2); short protein forms Y2049del.
Identifiers: ClinVar variation 826203 (VCV000826203.6), dbSNP rs1591778969, ClinGen allele CA915947652.
Genomic context (GRCh38, chr11:108,316,058, plus strand): 5'-TCTTTTCTTATAGACTACGAACATATGAACACGAAGCAATGTGGGGCAAAGCCCTAGTAA[CATA>C]TGACCTCGAAACAGCAATCCCCTCATCAACACGCCAGGCAGGAATCATTCAGGTACATTT-3'

ClinVar aggregate classification (germline): Uncertain significance (1 of 4 stars; one submission).

Conditions:
Hereditary cancer-predisposing syndrome. Also called: Tumor predisposition; Neoplastic Syndromes, Hereditary; Hereditary Cancer Syndrome; Hereditary neoplastic syndrome. Identifiers: Orphanet 140162, MedGen C0027672, MeSH D009386, MONDO:0015356.

Submission:

Ambry Genetics
Classification: Uncertain significance for Hereditary cancer-predisposing syndrome. Last evaluated: 2018-06-27. Review status: criteria provided, single submitter. Criteria: Ambry Variant Classification Scheme 2023. Collection method: clinical testing. Allele origin: germline.
Comment: The c.6144_6146delATA variant (also known as p.Y2049del) is located in coding exon 41 of the ATM gene. This variant results from an in-frame ATA deletion at nucleotide positions 6144 to 6146. This results in the in-frame deletion of a tyrosine at codon 2049. This amino acid position is highly conserved in available vertebrate species. Since supporting evidence is limited at this time, the clinical significance of this alteration remains unclear.